The following is an entry in ClinVar:

ClinVar aggregate classification (germline): Uncertain significance. Review status: criteria provided, multiple submitters, no conflicts (2 of 4 stars). 2 submissions from 2 submitters: Uncertain significance (2). Last evaluated 2021-09-29.

Conditions:
Inborn genetic diseases. Identifiers: MedGen C0950123, MeSH D030342.

Allele frequency attached by ClinVar (database versions not stated): gnomAD 0.00001 and 0.00003; gnomAD exomes 0.00002; TOPMed 0.00003; ExAC 0.00005.
gnomAD v4.1: 27 of 1,417,888 alleles (0.0019%); highest among the groups gnomAD compares: Middle Eastern, 0.018%; no homozygotes.

Submissions (2):

Labcorp Genetics (formerly Invitae), Labcorp
Classification: Uncertain significance. Last evaluated: 2021-09-29. Review status: criteria provided, single submitter. Criteria: Invitae Variant Classification Sherloc (09022015). Collection method: clinical testing. Allele origin: germline.
Comment: This sequence change replaces aspartic acid with glycine at codon 73 of highly conserved and there is a moderate physicochemical difference between aspartic acid and glycine. This variant is present in population databases (rs774612770, ExAC 0.009%). This variant has not been reported in the literature in individuals affected with MAK-related conditions. Experimental studies and prediction algorithms are not available or were not evaluated, and the functional significance of this variant is currently unknown. In summary, the available evidence is currently insufficient to determine the role of this variant in disease. Therefore, it has been classified as a Variant of Uncertain Significance.

Ambry Genetics
Classification: Uncertain significance for Inborn genetic diseases. Last evaluated: 2021-08-02. Review status: criteria provided, single submitter. Criteria: Ambry Variant Classification Scheme 2023. Collection method: clinical testing. Allele origin: germline.

NM_001242957.3(MAK):c.218A>G (p.Asp73Gly)

Gene: MAK (male germ cell associated kinase; minus strand). Cytogenetic location: 6p24.2.
Variant type: single nucleotide variant.
Coding change: c.218A>G on transcript NM_001242957.3 (MANE Select); coding-DNA position 218, A replaced by G.
Protein change: p.Asp73Gly; replaces aspartic acid 73 with glycine.
Molecular consequence: missense variant. On other transcripts: non-coding transcript variant (2).
Genome position (GRCh38, 1-based): chr6:10,817,910, T>C on the plus strand (A>G on the coding strand, the complement: MAK is on the minus strand). VCF-style: chr6-10817910-T-C. GRCh37 (hg19) VCF-style: chr6-10818143-T-C.
Other names: c.218A>G, p.Asp73Gly (NM_001242385.2, NM_005906.6); c.116A>G, p.Asp39Gly (NM_001377262.1); c.218A>G (NM_005906.4); short protein forms D39G, D73G.
Identifiers: ClinVar variation 1438885 (VCV001438885.5), dbSNP rs774612770, ClinGen allele CA3633786.